The following is an entry in ClinVar:

ClinVar aggregate classification (germline): Benign/Likely benign. Review status: criteria provided, multiple submitters, no conflicts (2 of 4 stars). 12 submissions from 11 submitters: Benign (5); Likely benign (4). 3 of the submissions do not count toward it. Last evaluated 2026-02-01.

Conditions:
Left ventricular noncompaction 10 (LVNC10). Identifiers: Orphanet 154, Orphanet 54260, MedGen C3715165, MONDO:0014163, OMIM 615396.
Hypertrophic cardiomyopathy 4. Also called: Familial hypertrophic cardiomyopathy 4. Identifiers: MedGen C1861862, MONDO:0007268, OMIM 115197.
Hypertrophic cardiomyopathy. Also called: HYPERTROPHIC MYOCARDIOPATHY. Identifiers: Orphanet 217569, MedGen C0007194, MeSH D002312, MONDO:0005045, HP:0001639.

Allele frequency attached by ClinVar (database versions not stated): gnomAD 0.00003 and 0.00068; ESP Exome Variant Server 0.00008; TOPMed 0.00012; gnomAD exomes 0.00317; 1000 Genomes Project 0.00399; 1000 Genomes Project 30x 0.00422; ExAC 0.00602.
gnomAD v4.1: 1,769 of 1,555,710 alleles (0.11%); highest among the groups gnomAD compares: South Asian, 2%; 29 homozygotes.

Submissions (12):

Labcorp Genetics (formerly Invitae), Labcorp
Classification: Benign for Hypertrophic cardiomyopathy. Last evaluated: 2026-02-01. Review status: criteria provided, single submitter. Criteria: Invitae Variant Classification Sherloc (09022015). Collection method: clinical testing. Allele origin: germline.

Women's Health and Genetics/Laboratory Corporation of America, LabCorp
Classification: Benign. Last evaluated: 2025-04-28. Review status: criteria provided, single submitter. Criteria: LabCorp Variant Classification Summary - May 2015. Collection method: clinical testing. Allele origin: germline.
Comment: Variant summary: MYBPC3 c.1790+7G>A alters a non-conserved nucleotide located at a position not widely known to affect splicing. Consensus agreement among computation tools predicts no significant impact on normal splicing. However, these predictions have yet to be confirmed by functional studies. The variant allele was found at a frequency of 0.0011 in 1548798 control chromosomes, predominantly at a frequency of 0.02 within the South Asian subpopulation in the gnomAD database (v4.1 dataset), including 29 homozygotes. The observed variant frequency within South Asian control individuals in the gnomAD database is approximately 20-fold of the estimated maximal expected allele frequency for a pathogenic variant in MYBPC3 causing Hypertrophic Cardiomyopathy phenotype (0.001). To our knowledge, no occurrence of c.1790+7G>A in individuals affected with Hypertrophic Cardiomyopathy and no experimental evidence demonstrating its impact on protein function have been reported. ClinVar contains an entry for this variant (Variation ID: 42567). Based on the evidence outlined above, the variant was classified as benign.

Molecular Diagnostic Laboratory for Inherited Cardiovascular Disease, Montreal Heart Institute
Classification: Likely benign. Last evaluated: 2025-04-09. Review status: criteria provided, single submitter. Criteria: ACMG Guidelines, 2015. Collection method: clinical testing. Allele origin: germline. Affected: no.

Blueprint Genetics
Classification: Likely benign. Last evaluated: 2024-08-29. Review status: criteria provided, single submitter. Criteria: ACMG Guidelines, 2015. Collection method: clinical testing. Allele origin: germline.

Illumina Laboratory Services, Illumina
Classification: Likely benign for Hypertrophic cardiomyopathy 4. Last evaluated: 2017-04-27. Review status: criteria provided, single submitter. Criteria: ICSL Variant Classification Criteria 13 December 2019. Collection method: clinical testing. Allele origin: germline.
Comment: This variant was observed as part of a predisposition screen in an ostensibly healthy population. A literature search was performed for the gene, cDNA change, and amino acid change (where applicable). Publications were found based on this search. The evidence from the literature, in combination with allele frequency data from public databases where available, was sufficient to determine this variant is unlikely to cause disease. Therefore, this variant is classified as likely benign.

Illumina Laboratory Services, Illumina
Classification: Likely benign for Left ventricular noncompaction 10. Last evaluated: 2017-04-27. Review status: criteria provided, single submitter. Criteria: ICSL Variant Classification Criteria 13 December 2019. Collection method: clinical testing. Allele origin: germline.
Comment: This variant was observed as part of a predisposition screen in an ostensibly healthy population. A literature search was performed for the gene, cDNA change, and amino acid change (where applicable). No publications were found based on this search. Allele frequency data from public databases allowed determination this variant is unlikely to cause disease. Therefore, this variant is classified as likely benign.

Laboratory for Molecular Medicine, Mass General Brigham Personalized Medicine
Classification: Benign. Last evaluated: 2015-04-29. Review status: criteria provided, single submitter. Criteria: LMM Criteria. Collection method: clinical testing. Allele origin: germline. Observed: 9 variant alleles.
Comment: c.1790+7G>A in intron 18 of MYBPC3: This variant is not expected to have clinica l significance because it is not located within the splice consensus sequence. I t has been identified in 1.9% (153/7952) of South Asian chromosomes including fo ur homozygous individuals by the Exome Aggregation Consortium (ExAC .; dbSNP rs374852831).

GeneDx
Classification: Benign. Last evaluated: 2015-03-03. Review status: criteria provided, single submitter. Criteria: GeneDx Variant Classification Process June 2021. Collection method: clinical testing. Allele origin: germline. Affected: yes.

Eurofins Ntd Llc (ga)
Classification: Benign. Last evaluated: 2015-02-05. Review status: criteria provided, single submitter. Criteria: EGL Classification Definitions 2015. Collection method: clinical testing. Allele origin: germline. Observed: 1 variant allele, 1 heterozygote.

Clinical Genetics DNA and cytogenetics Diagnostics Lab, Erasmus MC, Erasmus Medical Center
Classification: Likely benign. Review status: no assertion criteria provided. Collection method: clinical testing. Allele origin: germline. Affected: yes. Study: VKGL Data-share Consensus. Not counted in ClinVar's aggregate classification.

Clinical Genetics, Academic Medical Center
Classification: Benign. Review status: no assertion criteria provided. Collection method: clinical testing. Allele origin: germline. Affected: yes. Study: VKGL Data-share Consensus. Not counted in ClinVar's aggregate classification.

Diagnostic Laboratory, Department of Genetics, University Medical Center Groningen
Classification: Likely benign for Hypertrophic cardiomyopathy 4. Review status: no assertion criteria provided. Collection method: clinical testing. Allele origin: germline. Affected: yes. Study: VKGL Data-share Consensus. Not counted in ClinVar's aggregate classification.

Literature cited by the submitters: PubMed 21959974 (cited by Illumina Laboratory Services, Illumina and Laboratory for Molecular Medicine, Mass General Brigham Personalized Medicine).

NM_000256.3(MYBPC3):c.1790+7G>A

Gene: MYBPC3 (myosin binding protein C3; minus strand). Cytogenetic location: 11p11.2.
Variant type: single nucleotide variant.
Coding change: c.1790+7G>A on transcript NM_000256.3 (MANE Select); 7 bases into the intron after coding-DNA position 1790, G replaced by A.
Molecular consequence: intron variant.
Genome position (GRCh38, 1-based): chr11:47,341,984, C>T on the plus strand (G>A on the coding strand, the complement: MYBPC3 is on the minus strand). VCF-style: chr11-47341984-C-T. GRCh37 (hg19) VCF-style: chr11-47363535-C-T.
Identifiers: ClinVar variation 42567 (VCV000042567.30), dbSNP rs374852831, ClinGen allele CA011126.